The following is an entry in ClinVar:

NM_001267550.2(TTN):c.104294T>C (p.Met34765Thr)

Genes: TTN (titin; minus strand), TTN-AS1 (TTN antisense RNA 1; plus strand). Cytogenetic location: 2q31.2.
Variant type: single nucleotide variant.
Coding change: c.104294T>C on transcript NM_001267550.2 (MANE Select); coding-DNA position 104294, T replaced by C.
Protein change: p.Met34765Thr; replaces methionine 34765 with threonine.
Molecular consequence: missense variant.
Genome position (GRCh38, 1-based): chr2:178,532,321, A>G on the plus strand (T>C on the coding strand, the complement: TTN is on the minus strand). VCF-style: chr2-178532321-A-G. GRCh37 (hg19) VCF-style: chr2-179397048-A-G.
Other names: c.99371T>C, p.Met33124Thr (NM_001256850.1); c.77099T>C, p.Met25700Thr (NM_003319.4); c.96590T>C, p.Met32197Thr (NM_133378.4); c.77474T>C, p.Met25825Thr (NM_133432.3); c.77675T>C, p.Met25892Thr (NM_133437.4); short protein forms M25892T, M25700T, M34765T, M25825T, M32197T, M33124T.
Identifiers: ClinVar variation 2151513 (VCV002151513.4), dbSNP rs1413250187, ClinGen allele CA349412056.
Genomic context (GRCh38, chr2:178,532,321, plus strand): 5'-TCTGAGAGATGCTGGGTGGTCGTAACTGGGCGAAGCAACTCTTCATCCTCCCTCTCAGCC[A>G]TGATTCTTTGCCGTTGCTTTGGCTGTCTGTACGCAGCCTGGGCATGCCGTTCCCTCAGTT-3'
Protein context (NP_001254479.2, residues 34755-34775): YRQPKQRQRI[Met34765Thr]AEREDEELLR

ClinVar aggregate classification (germline): Uncertain significance (1 of 4 stars; one submission).

Conditions:
Dilated cardiomyopathy 1G (CMD1G). Identifiers: Orphanet 154, MedGen C1858763, MONDO:0011400, OMIM 604145.
Autosomal recessive limb-girdle muscular dystrophy type 2J (LGMDR10). Also called: Limb-girdle muscular dystrophy, type 2J; MUSCULAR DYSTROPHY, LIMB-GIRDLE, AUTOSOMAL RECESSIVE 10. Identifiers: Orphanet 140922, MedGen C1837342, MONDO:0012127, OMIM 608807.

Allele frequency attached by ClinVar (database versions not stated): gnomAD exomes below 0.00001; gnomAD 0.00001; TOPMed 0.00002.
gnomAD v4.1: 4 of 1,613,840 alleles (0.00025%); highest among the groups gnomAD compares: Non-Finnish European, 0.00025%; no homozygotes.

Submission:

Labcorp Genetics (formerly Invitae), Labcorp
Classification: Uncertain significance for Dilated cardiomyopathy 1G; Autosomal recessive limb-girdle muscular dystrophy type 2J. Last evaluated: 2023-03-30. Review status: criteria provided, single submitter. Criteria: Invitae Variant Classification Sherloc (09022015). Collection method: clinical testing. Allele origin: germline.
Comment: This variant is located in the M band of TTN (PMID: 25589632). Variants in this region may be relevant for neuromuscular disorders, but have not been definitively shown to cause cardiomyopathy (PMID: 23975875). In summary, the available evidence is currently insufficient to determine the role of this variant in disease. Therefore, it has been classified as a Variant of Uncertain Significance. Experimental studies and prediction algorithms are not available or were not evaluated, and the functional significance of this variant is currently unknown. ClinVar contains an entry for this variant (Variation ID: 2151513). This variant has not been reported in the literature in individuals affected with TTN-related conditions. This variant is not present in population databases (gnomAD no frequency). This sequence change replaces methionine, which is neutral and non-polar, with threonine, which is neutral and polar, at codon 34765 of the TTN protein (p.Met34765Thr).

Literature cited by the submitters: PubMed 25589632; PubMed 23975875.